The following is an entry in ClinVar:

NM_001348800.3(ZBTB20):c.620C>G (p.Ser207Trp)

Gene: ZBTB20 (zinc finger and BTB domain containing 20; minus strand). Cytogenetic location: 3q13.31.
Variant type: single nucleotide variant.
Coding change: c.620C>G on transcript NM_001348800.3 (MANE Select); coding-DNA position 620, C replaced by G.
Protein change: p.Ser207Trp; replaces serine 207 with tryptophan.
Molecular consequence: missense variant.
Genome position (GRCh38, 1-based): chr3:114,351,458, G>C on the plus strand (C>G on the coding strand, the complement: ZBTB20 is on the minus strand). VCF-style: chr3-114351458-G-C. GRCh37 (hg19) VCF-style: chr3-114070305-G-C.
Other names: c.620C>G, p.Ser207Trp (NM_001164342.2, NM_001348803.3, NM_001393393.1 and 1 more transcripts); c.401C>G, p.Ser134Trp (NM_001164343.2, NM_001164344.4, NM_001164345.4 and 9 more transcripts); short protein forms S134W, S207W.
Identifiers: ClinVar variation 2662780 (VCV002662780.1), dbSNP rs2550505046, ClinGen allele CA354016285.

ClinVar aggregate classification (germline): Uncertain significance (1 of 4 stars; one submission).

Submission:

GeneDx
Classification: Uncertain significance. Last evaluated: 2023-04-08. Review status: criteria provided, single submitter. Criteria: GeneDx Variant Classification Process June 2021. Collection method: clinical testing. Allele origin: germline. Affected: yes.
Comment: Not observed at significant frequency in large population cohorts (gnomAD); In silico analysis supports that this missense variant does not alter protein structure/function; Has not been previously published as pathogenic or benign to our knowledge